The following is an entry in ClinVar:

ClinVar aggregate classification (germline): Uncertain significance. Review status: criteria provided, multiple submitters, no conflicts (2 of 4 stars). 2 submissions from 2 submitters: Uncertain significance (2). Last evaluated 2023-11-24.

Conditions:
Neuroblastoma, susceptibility to, 3. Also called: ALK-Related Neuroblastic Tumor Susceptibility. Identifiers: Orphanet 635, MedGen C2751681, MONDO:0013083, OMIM 613014.
Hereditary cancer-predisposing syndrome. Also called: Tumor predisposition; Hereditary neoplastic syndrome; Neoplastic Syndromes, Hereditary; Hereditary Cancer Syndrome. Identifiers: Orphanet 140162, MedGen C0027672, MeSH D009386, MONDO:0015356.

Allele frequency attached by ClinVar (database versions not stated): gnomAD exomes below 0.00001; ExAC 0.00001.

Submissions (2):

Ambry Genetics
Classification: Uncertain significance for Hereditary cancer-predisposing syndrome. Last evaluated: 2023-11-24. Review status: criteria provided, single submitter. Criteria: Ambry Variant Classification Scheme 2023. Collection method: clinical testing. Allele origin: germline.
Comment: The p.F625S variant (also known as c.1874T>C), located in coding exon 10 of the ALK gene, results from a T to C substitution at nucleotide position 1874. The phenylalanine at codon 625 is replaced by serine, an amino acid with highly dissimilar properties. This amino acid position is conserved. In addition, the in silico prediction for this alteration is inconclusive. Since supporting evidence is limited at this time, the clinical significance of this alteration remains unclear.

Labcorp Genetics (formerly Invitae), Labcorp
Classification: Uncertain significance for Neuroblastoma, susceptibility to, 3. Last evaluated: 2023-08-01. Review status: criteria provided, single submitter. Criteria: Invitae Variant Classification Sherloc (09022015). Collection method: clinical testing. Allele origin: germline.
Comment: This sequence change replaces phenylalanine, which is neutral and non-polar, with serine, which is neutral and polar, at codon 625 of the ALK protein (p.Phe625Ser). This variant is present in population databases (rs760213029, gnomAD 0.003%). This variant has not been reported in the literature in individuals affected with ALK-related conditions. ClinVar contains an entry for this variant (Variation ID: 1379306). An algorithm developed to predict the effect of missense changes on protein structure and function (PolyPhen-2) suggests that this variant is likely to be disruptive. In summary, the available evidence is currently insufficient to determine the role of this variant in disease. Therefore, it has been classified as a Variant of Uncertain Significance.

NM_004304.5(ALK):c.1874T>C (p.Phe625Ser)

Gene: ALK (ALK receptor tyrosine kinase; minus strand). Cytogenetic location: 2p23.2.
Variant type: single nucleotide variant.
Coding change: c.1874T>C on transcript NM_004304.5 (MANE Select); coding-DNA position 1874, T replaced by C.
Protein change: p.Phe625Ser; replaces phenylalanine 625 with serine.
Molecular consequence: missense variant.
Genome position (GRCh38, 1-based): chr2:29,275,440, A>G on the plus strand (T>C on the coding strand, the complement: ALK is on the minus strand). VCF-style: chr2-29275440-A-G. GRCh37 (hg19) VCF-style: chr2-29498306-A-G.
Other names: c.1874T>C (NM_004304.4); short protein forms F625S.
Identifiers: ClinVar variation 1379306 (VCV001379306.7), dbSNP rs760213029, ClinGen allele CA1594502.
Genomic context (GRCh38, chr2:29,275,440, plus strand): 5'-GCTGGGGTCAGAGTGAACTCACTGGTGAGGTAGCAGTCCAGGCTGATGGAGATATTGTCA[A>G]AAGCCACGATGGCTCTGGATCCTTGTCCCCACCATGCGACCATCTGCAGCCAGAACCTGT-3'
Protein context (NP_004295.2, residues 615-635): WGQGSRAIVA[Phe625Ser]DNISISLDCY